The following is an entry in ClinVar:

NM_000124.4(ERCC6):c.3952_3953del (p.Arg1318fs)

Gene: ERCC6 (ERCC excision repair 6, chromatin remodeling factor; minus strand). Cytogenetic location: 10q11.23.
Variant type: Deletion.
Coding change: c.3952_3953del on transcript NM_000124.4 (MANE Select); coding-DNA positions 3952 to 3953, 2 bases deleted (AG; older notation c.3952_3953delAG).
Protein change: p.Arg1318fs; shifts the reading frame from arginine 1318.
Molecular consequence: frameshift variant.
Genome position (GRCh38, 1-based): chr10:49,461,382-49,461,383, CT deleted on the plus strand (AG on the coding strand, the reverse complement: ERCC6 is on the minus strand). VCF-style (leftmost placement, unchanged base first): chr10-49461381-CCT-C. GRCh37 (hg19) VCF-style: chr10-50669427-CCT-C.
Other names: c.3952_3953del, p.Arg1318fs (NM_001346440.2); c.3952_3953delAG (NM_000124.4, NM_000124.2); c.3952_3953del (NM_000124.3); short protein forms R1318fs.
Identifiers: ClinVar variation 190171 (VCV000190171.19), dbSNP rs765825423, ClinGen allele CA274713.

ClinVar aggregate classification (germline): Pathogenic/Likely pathogenic. Review status: criteria provided, multiple submitters, no conflicts (2 of 4 stars). 7 submissions from 7 submitters: Pathogenic (4); Likely pathogenic (2). 1 of the submissions does not count toward it. Last evaluated 2026-09-01.

Conditions:
Cerebrooculofacioskeletal syndrome 1 (COFS1). Also called: Cerebro-oculo-facio-skeletal syndrome 1. Identifiers: MedGen C0220722, MONDO:0008955, OMIM 214150.
Cockayne syndrome type 2 (CSB). Also called: Cockayne Syndrome, Type II; COCKAYNE SYNDROME B. Identifiers: Orphanet 191, Orphanet 90322, MedGen C0751038, MONDO:0019570, OMIM 133540.
DE SANCTIS-CACCHIONE SYNDROME. Identifiers: MedGen C0265201, MONDO:0010217, OMIM 278800.
Lung cancer. Also called: Lung cancer, somatic; Malignant tumor of lung. Identifiers: MedGen C0242379, MONDO:0008903, OMIM 211980.
UV-sensitive syndrome 1 (UVSS1). Identifiers: Orphanet 178338, MedGen C3551173, MONDO:0010909, OMIM 600630.
Age related macular degeneration 5. Identifiers: MedGen C3151063, MONDO:0013409, OMIM 613761.
Premature ovarian failure 11 (POF11). Identifiers: MedGen C4310783, MONDO:0014843, OMIM 616946.
Cockayne syndrome. Identifiers: Orphanet 191, MedGen C0009207, MONDO:0016006.

Allele frequency attached by ClinVar (database versions not stated): ExAC 0.00001; TOPMed 0.00002; gnomAD 0.00001 and 0.00002; gnomAD exomes 0.00002.

Submissions (7):

GeneDx
Classification: Pathogenic. Last evaluated: 2026-09-01. Review status: criteria provided, single submitter. Criteria: GeneDx Variant Classification Process June 2021. Collection method: clinical testing. Allele origin: germline.
Comment: Reported in two unrelated patients with Cockayne syndrome who each harbored another variant in the ERCC6 gene (PMID: 29572252); Frameshift variant predicted to result in protein truncation or nonsense mediated decay in a gene for which loss of function is a known mechanism of disease; This variant is associated with the following publications: (PMID: 18628313, 9443879, 32853555, 32504035, 31130284, 29572252)

Labcorp Genetics (formerly Invitae), Labcorp
Classification: Pathogenic. Last evaluated: 2026-01-11. Review status: criteria provided, single submitter. Criteria: Invitae Variant Classification Sherloc (09022015). Collection method: clinical testing. Allele origin: germline.
Comment: This sequence change creates a premature translational stop signal (p.Arg1318Glyfs*12) in the ERCC6 gene. It is expected to result in an absent or disrupted protein product. Loss-of-function variants in ERCC6 are known to be pathogenic (PMID: 18628313, 29572252). This variant is present in population databases (rs765825423, gnomAD 0.004%). This premature translational stop signal has been observed in individual(s) with Cockayne syndrome type B (PMID: 29572252). ClinVar contains an entry for this variant (Variation ID: 190171). For these reasons, this variant has been classified as Pathogenic.

Fulgent Genetics
Classification: Pathogenic for Cockayne syndrome type 2; Lung cancer; Cerebrooculofacioskeletal syndrome 1; DE SANCTIS-CACCHIONE SYNDROME; UV-sensitive syndrome 1; Age related macular degeneration 5; Premature ovarian failure 11. Last evaluated: 2024-04-30. Review status: criteria provided, single submitter. Criteria: ACMG Guidelines, 2015. Collection method: clinical testing. Allele origin: germline.

Women's Health and Genetics/Laboratory Corporation of America, LabCorp
Classification: Pathogenic for Cockayne syndrome. Last evaluated: 2022-06-23. Review status: criteria provided, single submitter. Criteria: LabCorp Variant Classification Summary - May 2015. Collection method: clinical testing. Allele origin: germline.
Comment: Variant summary: ERCC6 c.3952_3953delAG (p.Arg1318GlyfsX12) results in a premature termination codon, predicted to cause a truncation of the encoded protein or absence of the protein due to nonsense mediated decay, which are commonly known mechanisms for disease. Truncations downstream of this position have been classified as pathogenic in ClinVar database. The variant allele was found at a frequency of 2e-05 in 251212 control chromosomes (gnomAD). c.3952_3953delAG has been reported in the literature in two individuals affected with Cockayne Syndrome (Calmels_2018), one individual with clinical diagnosis and family history of hearing loss, loss of ambulation, hypotonia, cerebellar ataxia and sensory neuropathy (Monies_2019), one individual affected with acute lymphoblastic leukemia (Qin_2020) and one individual affected with malignant peritoneal mesothelioma (Hung_2020). These data indicate that the variant may be associated with disease. To our knowledge, no experimental evidence demonstrating an impact on protein function has been reported. Three ClinVar submitters (evaluation after 2014) cite the variant as pathogenic (n=2) and likely pathogenic (n=1). Based on the evidence outlined above, the variant was classified as pathogenic.

Claritas Genomics
Classification: Likely pathogenic for Cockayne syndrome, type B. Last evaluated: 2013-10-22. Review status: criteria provided, single submitter. Criteria: ACMG Guidelines, 2007. Collection method: clinical testing. Allele origin: germline. Inheritance: Autosomal recessive inheritance.

UNC Molecular Genetics  Laboratory, University of North Carolina at Chapel Hill
Classification: Likely pathogenic for DE SANCTIS-CACCHIONE SYNDROME; Cockayne syndrome B; Cerebrooculofacioskeletal syndrome 1. Review status: criteria provided, single submitter. Criteria: ACMG Guidelines, 2015. Collection method: research. Allele origin: germline. Affected: no. Observed: 1 variant allele. Study: NSIGHT-NC NEXUS.
Comment: The c.3952_3953delAG (p.R1318Gfs) variant is a frameshift deletion of two nucleotides predicted to result in a nonfunctional ERCC6 protein.

carrier finding

Counsyl
Classification: Likely pathogenic for Cockayne syndrome type 2; Cerebrooculofacioskeletal syndrome 1; DE SANCTIS-CACCHIONE SYNDROME. Last evaluated: 2017-04-10. Review status: no assertion criteria provided. Collection method: clinical testing. Allele origin: unknown. Not counted in ClinVar's aggregate classification.

Literature cited by the submitters: PubMed 18628313 (cited by Labcorp Genetics (formerly Invitae), Labcorp); PubMed 29572252 (cited by Labcorp Genetics (formerly Invitae), Labcorp and Women's Health and Genetics/Laboratory Corporation of America, LabCorp); PubMed 31130284 (cited by Women's Health and Genetics/Laboratory Corporation of America, LabCorp); PubMed 32496904 (cited by Women's Health and Genetics/Laboratory Corporation of America, LabCorp); PubMed 32504035 (cited by Women's Health and Genetics/Laboratory Corporation of America, LabCorp); PubMed 32853555 (cited by Women's Health and Genetics/Laboratory Corporation of America, LabCorp); PubMed 32453336 (cited by Women's Health and Genetics/Laboratory Corporation of America, LabCorp).